The following is an entry in ClinVar:

ClinVar aggregate classification (germline): Uncertain significance (1 of 4 stars; one submission).

Conditions:
Atrioventricular septal defect 4 (AVSD4). Identifiers: MedGen C3280781, MONDO:0013747, OMIM 614430.

Allele frequency attached by ClinVar (database versions not stated): gnomAD exomes 0.00002.
gnomAD v4.1: 3 of 1,494,674 alleles (0.0002%); highest among the groups gnomAD compares: Admixed American, 0.0066%; no homozygotes.

Submission:

Labcorp Genetics (formerly Invitae), Labcorp
Classification: Uncertain significance for Atrioventricular septal defect 4. Last evaluated: 2024-05-20. Review status: criteria provided, single submitter. Criteria: Invitae Variant Classification Sherloc (09022015). Collection method: clinical testing. Allele origin: germline.
Comment: This sequence change replaces glycine, which is neutral and non-polar, with aspartic acid, which is acidic and polar, at codon 60 of the GATA4 protein (p.Gly60Asp). The frequency data for this variant in the population databases is considered unreliable, as metrics indicate poor data quality at this position in the gnomAD database. This variant has not been reported in the literature in individuals affected with GATA4-related conditions. ClinVar contains an entry for this variant (Variation ID: 1421038). Advanced modeling of protein sequence and biophysical properties (such as structural, functional, and spatial information, amino acid conservation, physicochemical variation, residue mobility, and thermodynamic stability) performed at Invitae indicates that this missense variant is not expected to disrupt GATA4 protein function with a negative predictive value of 80%. In summary, the available evidence is currently insufficient to determine the role of this variant in disease. Therefore, it has been classified as a Variant of Uncertain Significance.

NM_001308093.3(GATA4):c.179G>A (p.Gly60Asp)

Gene: GATA4 (GATA binding protein 4). Cytogenetic location: 8p23.1.
Variant type: single nucleotide variant.
Coding change: c.179G>A on transcript NM_001308093.3 (MANE Select); coding-DNA position 179, G replaced by A.
Protein change: p.Gly60Asp; replaces glycine 60 with aspartic acid.
Molecular consequence: missense variant. On other transcripts: intron variant (3).
Genome position (GRCh38, 1-based): chr8:11,708,491, G>A. VCF-style: chr8-11708491-G-A. GRCh37 (hg19) VCF-style: chr8-11566000-G-A.
Other names: c.179G>A, p.Gly60Asp (NM_002052.5); c.-6+7713G>A (NM_001308094.2); c.-3+477G>A (NM_001374274.1); c.-3+4187G>A (NM_001374273.1); short protein forms G60D.
Identifiers: ClinVar variation 1421038 (VCV001421038.6), dbSNP rs1451316561, ClinGen allele CA370309085.